The following is an entry in ClinVar:

NM_053025.4(MYLK):c.3590A>G (p.Lys1197Arg)

Gene: MYLK (myosin light chain kinase; minus strand). Cytogenetic location: 3q21.1.
Variant type: single nucleotide variant.
Coding change: c.3590A>G on transcript NM_053025.4 (MANE Select); coding-DNA position 3590, A replaced by G.
Protein change: p.Lys1197Arg; replaces lysine 1197 with arginine.
Molecular consequence: missense variant.
Genome position (GRCh38, 1-based): chr3:123,682,286, T>C on the plus strand (A>G on the coding strand, the complement: MYLK is on the minus strand). VCF-style: chr3-123682286-T-C. GRCh37 (hg19) VCF-style: chr3-123401133-T-C.
Other names: c.3062A>G, p.Lys1021Arg (NM_001321309.2); c.3383A>G, p.Lys1128Arg (NM_053026.4, NM_053028.4); c.3590A>G, p.Lys1197Arg (NM_053027.4); short protein forms K1021R, K1197R, K1128R.
Identifiers: ClinVar variation 2142818 (VCV002142818.4), dbSNP rs563356473, ClinGen allele CA82936209.

ClinVar aggregate classification (germline): Uncertain significance (1 of 4 stars; one submission).

Conditions:
Aortic aneurysm, familial thoracic 7 (AAT7). Also called: AORTIC DISSECTION, FAMILIAL, WITH OR WITHOUT AORTIC ANEURYSM. Identifiers: MedGen C3151077, MONDO:0013418, OMIM 613780.

Allele frequency attached by ClinVar (database versions not stated): gnomAD exomes below 0.00001.
gnomAD v4.1: 10 of 1,603,512 alleles (0.00062%); highest among the groups gnomAD compares: African/African-American, 0.0053%; no homozygotes.

Submission:

Labcorp Genetics (formerly Invitae), Labcorp
Classification: Uncertain significance for Aortic aneurysm, familial thoracic 7. Last evaluated: 2022-10-03. Review status: criteria provided, single submitter. Criteria: Invitae Variant Classification Sherloc (09022015). Collection method: clinical testing. Allele origin: germline.
Comment: In summary, the available evidence is currently insufficient to determine the role of this variant in disease. Therefore, it has been classified as a Variant of Uncertain Significance. Advanced modeling of protein sequence and biophysical properties (such as structural, functional, and spatial information, amino acid conservation, physicochemical variation, residue mobility, and thermodynamic stability) performed at Invitae indicates that this missense variant is not expected to disrupt MYLK protein function. This variant has not been reported in the literature in individuals affected with MYLK-related conditions. This variant is not present in population databases (gnomAD no frequency). This sequence change replaces lysine, which is basic and polar, with arginine, which is basic and polar, at codon 1197 of the MYLK protein (p.Lys1197Arg).